The following is an entry in ClinVar:

NM_001165963.4(SCN1A):c.5424C>G (p.Phe1808Leu)

Genes: SCN1A (sodium voltage-gated channel alpha subunit 1; minus strand), LOC102724058 (uncharacterized LOC102724058; plus strand). Cytogenetic location: 2q24.3.
Variant type: single nucleotide variant.
Coding change: c.5424C>G on transcript NM_001165963.4 (MANE Select); coding-DNA position 5424, C replaced by G.
Protein change: p.Phe1808Leu; replaces phenylalanine 1808 with leucine.
Molecular consequence: missense variant. On other transcripts: non-coding transcript variant (1).
Genome position (GRCh38, 1-based): chr2:165,991,851, G>C on the plus strand (C>G on the coding strand, the complement: SCN1A is on the minus strand). VCF-style: chr2-165991851-G-C. GRCh37 (hg19) VCF-style: chr2-166848361-G-C.
Other names: c.5391C>G, p.Phe1797Leu (NM_001353952.2, NM_006920.6, NM_001353949.2 and 2 more transcripts); c.5388C>G, p.Phe1796Leu (NM_001353954.2, NM_001353955.2); c.5340C>G, p.Phe1780Leu (NM_001353957.2, NM_001353958.2, NM_001165964.3); c.5337C>G, p.Phe1779Leu (NM_001353960.2); c.2982C>G, p.Phe994Leu (NM_001353961.2); c.5424C>G, p.Phe1808Leu (NM_001202435.3, NM_001353948.2); short protein forms F1779L, F1780L, F1796L, F1797L, F1808L, F994L.
Identifiers: ClinVar variation 4864125 (VCV004864125.1).

ClinVar aggregate classification (germline): Pathogenic (1 of 4 stars; one submission).

Conditions:
Inborn genetic diseases. Identifiers: MedGen C0950123, MeSH D030342.

Submission:

Ambry Genetics
Classification: Pathogenic for Inborn genetic diseases. Last evaluated: 2026-03-27. Review status: criteria provided, single submitter. Criteria: Ambry Variant Classification Scheme 2023. Collection method: clinical testing. Allele origin: germline.
Comment: The c.5424C>G (p.F1808L) alteration is located in exon 26 (coding exon 26) of the SCN1A gene. This alteration results from a C to G substitution at nucleotide position 5424, causing the phenylalanine (F) at amino acid position 1808 to be replaced by a leucine (L). for SCN1A-related seizure disorders; however, its clinical significance for SCN1A-related hemiplegic migraine is uncertain. This variant was not reported in population-based cohorts in the Genome Aggregation Database (gnomAD). Other variant(s) resulting in the same amino acid change (c.5422T>C) have been identified in individual(s) with features consistent with SCN1A-related seizure disorders (Snoeijen-Schouwenaars, 2015; Fujiwara, 2003; Aschner, 2024). Other variant(s) at the same codon, c.5422T>A (p.F1808I) and c.5423T>C (p.F1808S), have been identified in individual(s) with features consistent with SCN1A-related seizure disorders (Depienne, 2009; Negi, 2024; Liu, 2021). This amino acid position is highly conserved in available vertebrate species. This missense variant is located in a region that has a low rate of benign missense variation (Lek, 2016; Firth, 2009). In multiple assays testing SCN1A function, this variant showed functionally abnormal results (Rhodes, 2005). This alteration is predicted to be deleterious by in silico analysis. Based on the available evidence, this alteration is classified as pathogenic.

Literature cited by the submitters: PubMed 12566275; PubMed 16210358; PubMed 18930999; PubMed 26076853; PubMed 34226156; PubMed 38756210; PubMed 39299018.